The following is an entry in ClinVar:

NM_000363.5(TNNI3):c.136A>T (p.Lys46Ter)

Gene: TNNI3 (troponin I3, cardiac type; minus strand). Cytogenetic location: 19q13.42.
Variant type: single nucleotide variant.
Coding change: c.136A>T on transcript NM_000363.5 (MANE Select); coding-DNA position 136, A replaced by T.
Protein change: p.Lys46Ter; replaces lysine 46 with a stop codon.
Molecular consequence: nonsense.
Genome position (GRCh38, 1-based): chr19:55,156,617, T>A on the plus strand (A>T on the coding strand, the complement: TNNI3 is on the minus strand). VCF-style: chr19-55156617-T-A. GRCh37 (hg19) VCF-style: chr19-55667985-T-A.
Other names: short protein forms K46*.
Identifiers: ClinVar variation 926643 (VCV000926643.3), dbSNP rs2085732554, ClinGen allele CA407442383.

ClinVar aggregate classification (germline): Uncertain significance (1 of 4 stars; one submission).

Conditions:
Cardiomyopathy (CMYO). Also called: Cardiomyopathies. Identifiers: Orphanet 167848, MedGen C0878544, MONDO:0004994, HP:0001638. Inheritance: Various modes of inheritance.

Submission:

Color Diagnostics, LLC DBA Color Health
Classification: Uncertain significance for Cardiomyopathy. Last evaluated: 2019-12-18. Review status: criteria provided, single submitter. Criteria: ACMG Guidelines, 2015. Collection method: clinical testing. Allele origin: germline.
Comment: This variant changes 1 nucleotide in exon 4 of the TNNI3 gene, creating a premature translation stop signal. This variant is expected to result in an absent or non-functional protein product. Splice site prediction tools suggest that this variant may not impact RNA splicing. To our knowledge, functional studies have not been performed for this variant. This variant has not been reported in individuals affected with cardiovascular disorders in the literature. This variant has not been identified in the general population by the Genome Aggregation Database (gnomAD). The role of TNNI3 truncation variants in cardiomyopathy is not clearly established. The available evidence is insufficient to determine the role of this variant in disease conclusively. Therefore, this variant is classified as a Variant of Uncertain Significance.